The following is an entry in ClinVar:

NM_005360.5(MAF):c.1097C>G (p.Pro366Arg)

Gene: MAF (MAF bZIP transcription factor; minus strand). Cytogenetic location: 16q23.2.
Variant type: single nucleotide variant.
Coding change: c.1097C>G on transcript NM_005360.5 (MANE Select); coding-DNA position 1097, C replaced by G.
Protein change: p.Pro366Arg; replaces proline 366 with arginine.
Molecular consequence: missense variant.
Genome position (GRCh38, 1-based): chr16:79,598,806, G>C on the plus strand (C>G on the coding strand, the complement: MAF is on the minus strand). VCF-style: chr16-79598806-G-C. GRCh37 (hg19) VCF-style: chr16-79632703-G-C.
Other names: c.1097C>G, p.Pro366Arg (NM_001031804.3); short protein forms P366R.
Identifiers: ClinVar variation 3898981 (VCV003898981.1).

ClinVar aggregate classification (germline): Uncertain significance (1 of 4 stars; one submission).

gnomAD v4.1: 1 of 1,613,834 alleles (0.000062%); highest among the groups gnomAD compares: Non-Finnish European, 0.000085%; no homozygotes.

Submission:

GeneDx
Classification: Uncertain significance. Last evaluated: 2024-11-12. Review status: criteria provided, single submitter. Criteria: GeneDx Variant Classification Process June 2021. Collection method: clinical testing. Allele origin: germline. Affected: yes.
Comment: Not observed at significant frequency in large population cohorts (gnomAD); In silico analysis supports that this missense variant has a deleterious effect on protein structure/function; Has not been previously published as pathogenic or benign to our knowledge